The following is an entry in ClinVar:

ClinVar aggregate classification (germline): Uncertain significance (1 of 4 stars; one submission).

Conditions:
Brachyolmia-amelogenesis imperfecta syndrome. Also called: PLATYSPONDYLY WITH AMELOGENESIS IMPERFECTA; Tooth agenesis, selective, 6; Dental anomalies and short stature. Identifiers: Orphanet 2899, MedGen C1832594, MONDO:0011018, OMIM 601216. Disease mechanism: loss of function.

gnomAD v4.1: 3 of 1,588,918 alleles (0.00019%); highest among the groups gnomAD compares: South Asian, 0.0011%; no homozygotes.

Submission:

Labcorp Genetics (formerly Invitae), Labcorp
Classification: Uncertain significance for Brachyolmia-amelogenesis imperfecta syndrome. Last evaluated: 2025-11-04. Review status: criteria provided, single submitter. Criteria: Invitae Variant Classification Sherloc (09022015). Collection method: clinical testing. Allele origin: germline.
Comment: This sequence change replaces arginine, which is basic and polar, with glutamine, which is neutral and polar, at codon 1047 of the LTBP3 protein (p.Arg1047Gln). This variant is not present in population databases (gnomAD no frequency). This variant has not been reported in the literature in individuals affected with LTBP3-related conditions. ClinVar contains an entry for this variant (Variation ID: 3619827). An algorithm developed to predict the effect of missense changes on protein structure and function (PolyPhen-2) suggests that this variant is likely to be disruptive. In summary, the available evidence is currently insufficient to determine the role of this variant in disease. Therefore, it has been classified as a Variant of Uncertain Significance.

NM_001130144.3(LTBP3):c.3140G>A (p.Arg1047Gln)

Genes: LTBP3 (latent transforming growth factor beta binding protein 3; minus strand), LOC121832793 (Sharpr-MPRA regulatory region 4001; plus strand). Cytogenetic location: 11q13.1.
Variant type: single nucleotide variant.
Coding change: c.3140G>A on transcript NM_001130144.3 (MANE Select); coding-DNA position 3140, G replaced by A.
Protein change: p.Arg1047Gln; replaces arginine 1047 with glutamine.
Molecular consequence: missense variant.
Genome position (GRCh38, 1-based): chr11:65,540,349, C>T on the plus strand (G>A on the coding strand, the complement: LTBP3 is on the minus strand). VCF-style: chr11-65540349-C-T. GRCh37 (hg19) VCF-style: chr11-65307820-C-T.
Other names: c.2789G>A, p.Arg930Gln (NM_001164266.1); c.3140G>A, p.Arg1047Gln (NM_021070.4); short protein forms R1047Q, R930Q.
Identifiers: ClinVar variation 3619827 (VCV003619827.2).
Genomic context (GRCh38, chr11:65,540,349, plus strand): 5'-TCGGCAGGGGGCGTGCAGGCACAGCGGTAGCCGCCGCGCGTGTTCTCACACACTCCGTTC[C>T]GGCAGTTGGACTCGTCCAGGCACTCGTCCACGTCTGCAGGGAGGAAAAGCGTGGGTAGCA-3'
Protein context (NP_001123616.1, residues 1037-1057): VDECLDESNC[Arg1047Gln]NGVCENTRGG